The following is an entry in ClinVar:

ClinVar aggregate classification (germline): Conflicting classifications of pathogenicity. Review status: criteria provided, conflicting classifications (1 of 4 stars). 6 submissions from 6 submitters: Uncertain significance (1); Likely benign (2). 3 of the submissions do not count toward it. Last evaluated 2025-03-31.

Conditions:
Dilated cardiomyopathy 1G (CMD1G). Identifiers: Orphanet 154, MedGen C1858763, MONDO:0011400, OMIM 604145.
Autosomal recessive limb-girdle muscular dystrophy type 2J (LGMDR10). Also called: MUSCULAR DYSTROPHY, LIMB-GIRDLE, AUTOSOMAL RECESSIVE 10; Limb-girdle muscular dystrophy, type 2J. Identifiers: Orphanet 140922, MedGen C1837342, MONDO:0012127, OMIM 608807.

Allele frequency attached by ClinVar (database versions not stated): gnomAD exomes 0.00001; TOPMed 0.00001; gnomAD 0.00005.

Submissions (6):

Labcorp Genetics (formerly Invitae), Labcorp
Classification: Likely benign for Dilated cardiomyopathy 1G; Autosomal recessive limb-girdle muscular dystrophy type 2J. Last evaluated: 2025-03-31. Review status: criteria provided, single submitter. Criteria: Invitae Variant Classification Sherloc (09022015). Collection method: clinical testing. Allele origin: germline.

GeneDx
Classification: Likely benign. Last evaluated: 2017-10-26. Review status: criteria provided, single submitter. Criteria: GeneDx Variant Classification (06012015). Collection method: clinical testing. Allele origin: germline. Affected: yes.
Comment: This variant is considered likely benign or benign based on one or more of the following criteria: it is a conservative change, it occurs at a poorly conserved position in the protein, it is predicted to be benign by multiple in silico algorithms, and/or has population frequency not consistent with disease.

Eurofins Ntd Llc (ga)
Classification: Uncertain significance. Last evaluated: 2017-05-04. Review status: criteria provided, single submitter. Criteria: EGL Classification Definitions 2015. Collection method: clinical testing. Allele origin: germline. Observed: 2 variant alleles, 2 heterozygotes.

Clinical Genetics, Academic Medical Center
Classification: Likely benign. Review status: no assertion criteria provided. Collection method: clinical testing. Allele origin: germline. Affected: yes. Study: VKGL Data-share Consensus. Not counted in ClinVar's aggregate classification.

Diagnostic Laboratory, Department of Genetics, University Medical Center Groningen
Classification: Likely benign. Review status: no assertion criteria provided. Collection method: clinical testing. Allele origin: germline. Affected: yes. Study: VKGL Data-share Consensus. Not counted in ClinVar's aggregate classification.

Genome Diagnostics Laboratory, University Medical Center Utrecht
Classification: Likely benign. Review status: no assertion criteria provided. Collection method: clinical testing. Allele origin: germline. Affected: yes. Study: VKGL Data-share Consensus. Not counted in ClinVar's aggregate classification.

NM_001267550.2(TTN):c.54811+10C>T

Genes: TTN (titin; minus strand), TTN-AS1 (TTN antisense RNA 1; plus strand). Cytogenetic location: 2q31.2.
Variant type: single nucleotide variant.
Coding change: c.54811+10C>T on transcript NM_001267550.2 (MANE Select); 10 bases into the intron after coding-DNA position 54811, C replaced by T.
Molecular consequence: intron variant.
Genome position (GRCh38, 1-based): chr2:178,603,866, G>A on the plus strand (C>T on the coding strand, the complement: TTN is on the minus strand). VCF-style: chr2-178603866-G-A. GRCh37 (hg19) VCF-style: chr2-179468593-G-A.
Other names: c.49888+10C>T (NM_001256850.1); c.27616+10C>T (NM_003319.4); c.28192+10C>T (NM_133437.4); c.27991+10C>T (NM_133432.3); c.47107+10C>T (NM_133378.4).
Identifiers: ClinVar variation 497061 (VCV000497061.17), dbSNP rs796651993, ClinGen allele CA60979573.